The following is an entry in ClinVar:

ClinVar aggregate classification (germline): Uncertain significance. Review status: criteria provided, multiple submitters, no conflicts (2 of 4 stars). 3 submissions from 3 submitters: Uncertain significance (3). Last evaluated 2024-06-07.

Conditions:
Immunodeficiency 35 (IMD35). Also called: TYK2 DEFICIENCY; HIES WITH ATYPICAL MYCOBACTERIOSIS, AUTOSOMAL RECESSIVE; HYPER-IgE SYNDROME WITH ATYPICAL MYCOBACTERIOSIS, AUTOSOMAL RECESSIVE; Susceptibility to infection due to TYK2 deficiency. Identifiers: Orphanet 331226, MedGen C1969086, MONDO:0012682, OMIM 611521.

Allele frequency attached by ClinVar (database versions not stated): ExAC 0.00004; gnomAD exomes 0.00004 and 0.00005; gnomAD 0.00006; ESP Exome Variant Server 0.00008; TOPMed 0.00010.
gnomAD v4.1: 85 of 1,613,838 alleles (0.0053%); highest among the groups gnomAD compares: Admixed American, 0.013%; no homozygotes.

Submissions (3):

Blueprint Genetics
Classification: Uncertain significance. Last evaluated: 2024-06-07. Review status: criteria provided, single submitter. Criteria: ACMG Guidelines, 2015. Collection method: clinical testing. Allele origin: germline.

Labcorp Genetics (formerly Invitae), Labcorp
Classification: Uncertain significance for Immunodeficiency 35. Last evaluated: 2022-07-29. Review status: criteria provided, single submitter. Criteria: Invitae Variant Classification Sherloc (09022015). Collection method: clinical testing. Allele origin: germline.
Comment: This sequence change replaces alanine, which is neutral and non-polar, with threonine, which is neutral and polar, at codon 165 of the TYK2 protein (p.Ala165Thr). This variant is present in population databases (rs370420133, gnomAD 0.01%). This variant has not been reported in the literature in individuals affected with TYK2-related conditions. ClinVar contains an entry for this variant (Variation ID: 892066). Algorithms developed to predict the effect of missense changes on protein structure and function are either unavailable or do not agree on the potential impact of this missense change (SIFT: "Not Available"; PolyPhen-2: "Benign"; Align-GVGD: "Not Available"). In summary, the available evidence is currently insufficient to determine the role of this variant in disease. Therefore, it has been classified as a Variant of Uncertain Significance.

Illumina Laboratory Services, Illumina
Classification: Uncertain significance for Immunodeficiency 35. Last evaluated: 2018-01-12. Review status: criteria provided, single submitter. Criteria: ICSL Variant Classification Criteria 13 December 2019. Collection method: clinical testing. Allele origin: germline.

NM_003331.5(TYK2):c.493G>A (p.Ala165Thr)

Gene: TYK2 (tyrosine kinase 2; minus strand). Cytogenetic location: 19p13.2.
Variant type: single nucleotide variant.
Coding change: c.493G>A on transcript NM_003331.5 (MANE Select); coding-DNA position 493, G replaced by A.
Protein change: p.Ala165Thr; replaces alanine 165 with threonine.
Molecular consequence: missense variant.
Genome position (GRCh38, 1-based): chr19:10,366,553, C>T on the plus strand (G>A on the coding strand, the complement: TYK2 is on the minus strand). VCF-style: chr19-10366553-C-T. GRCh37 (hg19) VCF-style: chr19-10477229-C-T.
Other names: short protein forms A165T.
Identifiers: ClinVar variation 892066 (VCV000892066.11), dbSNP rs370420133, ClinGen allele CA9193710.